The following is an entry in ClinVar:

ClinVar aggregate classification (germline): Uncertain significance (1 of 4 stars; one submission).

Allele frequency attached by ClinVar (database versions not stated): gnomAD exomes below 0.00001.
gnomAD v4.1: 3 of 1,607,272 alleles (0.00019%); highest among the groups gnomAD compares: Non-Finnish European, 0.00025%; no homozygotes.

Submission:

Ambry Genetics
Classification: Uncertain significance. Last evaluated: 2022-05-23. Review status: criteria provided, single submitter. Criteria: Ambry Variant Classification Scheme 2023. Collection method: clinical testing. Allele origin: germline.
Comment: The p.G1783E variant (also known as c.5348G>A), located in coding exon 4 of the ALPK2 gene, results from a G to A substitution at nucleotide position 5348. The glycine at codon 1783 is replaced by glutamic acid, an amino acid with similar properties. This amino acid position is conserved. In addition, this alteration is predicted to be tolerated by in silico analysis. Since supporting evidence is limited at this time, the clinical significance of this alteration remains unclear.

NM_052947.4(ALPK2):c.5348G>A (p.Gly1783Glu)

Genes: ALPK2 (alpha kinase 2; minus strand), LOC130062577 (ATAC-STARR-seq lymphoblastoid active region 13389; plus strand). Cytogenetic location: 18q21.31.
Variant type: single nucleotide variant.
Coding change: c.5348G>A on transcript NM_052947.4 (MANE Select); coding-DNA position 5348, G replaced by A.
Protein change: p.Gly1783Glu; replaces glycine 1783 with glutamic acid.
Molecular consequence: missense variant.
Genome position (GRCh38, 1-based): chr18:58,534,839, C>T on the plus strand (G>A on the coding strand, the complement: ALPK2 is on the minus strand). VCF-style: chr18-58534839-C-T. GRCh37 (hg19) VCF-style: chr18-56202071-C-T.
Other names: short protein forms G1783E.
Identifiers: ClinVar variation 1746962 (VCV001746962.2), dbSNP rs747518940, ClinGen allele CA300925920.